The following is an entry in ClinVar:

NM_001386298.1(CIC):c.249C>T (p.Gly83=)

Gene: CIC (capicua transcriptional repressor; plus strand). Cytogenetic location: 19q13.2.
Variant type: single nucleotide variant.
Coding change: c.249C>T on transcript NM_001386298.1 (MANE Select); coding-DNA position 249, C replaced by T.
Protein change: p.Gly83=; no amino-acid change (glycine 83 retained).
Molecular consequence: synonymous variant.
Genome position (GRCh38, 1-based): chr19:42,272,032, C>T. VCF-style: chr19-42272032-C-T. GRCh37 (hg19) VCF-style: chr19-42776184-C-T.
Other names: c.249C>T, p.Gly83= (NM_001304815.2, NM_001379480.1, NM_001379482.1 and 1 more transcripts).
Identifiers: ClinVar variation 2649944 (VCV002649944.24), dbSNP rs538298870, ClinGen allele CA9471548.

ClinVar aggregate classification (germline): Likely benign (1 of 4 stars; one submission).

Allele frequency attached by ClinVar (database versions not stated): gnomAD exomes 0.00001; gnomAD 0.00011; TOPMed 0.00015; 1000 Genomes Project 0.00020; 1000 Genomes Project 30x 0.00031.
gnomAD v4.1: 19 of 398,862 alleles (0.0048%); highest among the groups gnomAD compares: African/African-American, 0.031%; no homozygotes.

Submission:

CeGaT Center for Human Genetics Tuebingen
Classification: Likely benign. Last evaluated: 2024-11-01. Review status: criteria provided, single submitter. Criteria: CeGaT Center For Human Genetics Tuebingen Variant Classification Criteria Version 2. Collection method: clinical testing. Allele origin: germline. Affected: yes. Observed: 2 variant alleles.
Comment: CIC: BP4, BP7